The following is an entry in ClinVar:

ClinVar aggregate classification (germline): Likely benign. Review status: criteria provided, single submitter (1 of 4 stars). 3 submissions from 3 submitters: Likely benign (1). 2 of the submissions do not count toward it. Last evaluated 2025-12-19.

Conditions:
Cohen syndrome (COH1). Also called: PEPPER SYNDROME; Cutis verticis gyrata, retinitis pigmentosa, and sensorineural deafness. Identifiers: Orphanet 193, MedGen C0265223, MONDO:0008999, OMIM 216550.
VPS13B-related disorder. Also called: VPS13B-related condition.

Allele frequency attached by ClinVar (database versions not stated): gnomAD exomes below 0.00001 and 0.00001; gnomAD 0.00001; ExAC 0.00002; 1000 Genomes Project 30x 0.00016; 1000 Genomes Project 0.00020.
gnomAD v4.1: 6 of 1,597,514 alleles (0.00038%); highest among the groups gnomAD compares: East Asian, 0.0068%; no homozygotes.

Submissions (3):

Labcorp Genetics (formerly Invitae), Labcorp
Classification: Likely benign for Cohen syndrome. Last evaluated: 2025-12-19. Review status: criteria provided, single submitter. Criteria: Invitae Variant Classification Sherloc (09022015). Collection method: clinical testing. Allele origin: germline.

PreventionGenetics, part of Exact Sciences
Classification: Likely benign for VPS13B-related condition. Last evaluated: 2021-12-13. Review status: no assertion criteria provided. Collection method: clinical testing. Allele origin: germline. Not counted in ClinVar's aggregate classification.
Comment: This variant is classified as likely benign based on ACMG/AMP sequence variant interpretation guidelines (Richards et al. 2015 PMID: 25741868, with internal and published modifications).

Natera, Inc.
Classification: Uncertain significance for Cohen syndrome. Last evaluated: 2020-03-11. Review status: no assertion criteria provided. Collection method: clinical testing. Allele origin: germline. Not counted in ClinVar's aggregate classification.

NM_152564.5(VPS13B):c.11070C>T (p.Leu3690=)

Gene: VPS13B (vacuolar protein sorting 13 homolog B; plus strand). Cytogenetic location: 8q22.2.
Variant type: single nucleotide variant.
Coding change: c.11070C>T on transcript NM_152564.5 (MANE Select); coding-DNA position 11070, C replaced by T.
Protein change: p.Leu3690=; no amino-acid change (leucine 3690 retained).
Molecular consequence: synonymous variant.
Genome position (GRCh38, 1-based): chr8:99,861,801, C>T. VCF-style: chr8-99861801-C-T. GRCh37 (hg19) VCF-style: chr8-100874029-C-T.
Other names: c.11145C>T, p.Leu3715= (NM_017890.5); c.11070C>T (NM_152564.4).
Identifiers: ClinVar variation 731872 (VCV000731872.13), dbSNP rs185477101, ClinGen allele CA4825136.